The following is an entry in ClinVar:

NM_007294.4(BRCA1):c.4878T>G (p.Asn1626Lys)

Gene: BRCA1 (BRCA1 DNA repair associated; minus strand). Cytogenetic location: 17q21.31.
Variant type: single nucleotide variant.
Coding change: c.4878T>G on transcript NM_007294.4 (MANE Select); coding-DNA position 4878, T replaced by G.
Protein change: p.Asn1626Lys; replaces asparagine 1626 with lysine.
Molecular consequence: missense variant. On other transcripts: intron variant (1).
Genome position (GRCh38, 1-based): chr17:43,071,036, A>C on the plus strand (T>G on the coding strand, the complement: BRCA1 is on the minus strand). VCF-style: chr17-43071036-A-C. GRCh37 (hg19) VCF-style: chr17-41223053-A-C.
Other names: c.4665T>G, p.Asn1555Lys (NM_001407902.1, NM_001407897.1, NM_001407899.1 and 12 more transcripts); c.4872T>G, p.Asn1624Lys (NM_001407634.1, NM_001407635.1, NM_001407636.1 and 14 more transcripts); c.4944T>G, p.Asn1648Lys (NM_001407581.1, NM_001407582.1); c.4941T>G, p.Asn1647Lys (NM_001407583.1, NM_001407585.1, NM_001407587.1 and 1 more transcripts); c.4938T>G, p.Asn1646Lys (NM_001407590.1, NM_001407591.1); c.4878T>G, p.Asn1626Lys (NM_001407593.1, NM_001407594.1, NM_001407596.1 and 8 more transcripts); c.4869T>G, p.Asn1623Lys (NM_001407644.1, NM_001407645.1); c.4866T>G, p.Asn1622Lys (NM_001407646.1); and 71 more; short protein forms N1329K, N1457K, N1513K, N1537K, N1585K, N1600K, N1622K, N1623K.
Identifiers: ClinVar variation 3261469 (VCV003261469.1).

ClinVar aggregate classification (germline): Uncertain significance (1 of 4 stars; one submission).

Conditions:
Hereditary cancer-predisposing syndrome. Also called: Hereditary Cancer Syndrome; Tumor predisposition; Hereditary neoplastic syndrome; Neoplastic Syndromes, Hereditary. Identifiers: Orphanet 140162, MedGen C0027672, MeSH D009386, MONDO:0015356.

Submission:

Ambry Genetics
Classification: Uncertain significance for Hereditary cancer-predisposing syndrome. Last evaluated: 2024-04-17. Review status: criteria provided, single submitter. Criteria: Ambry Variant Classification Scheme 2023. Collection method: clinical testing. Allele origin: germline.
Comment: The p.N1626K variant (also known as c.4878T>G), located in coding exon 14 of the BRCA1 gene, results from a T to G substitution at nucleotide position 4878. The asparagine at codon 1626 is replaced by lysine, an amino acid with similar properties. This amino acid position is conserved. In addition, this alteration is predicted to be tolerated by in silico analysis. Based on the available evidence, the clinical significance of this variant remains unclear.